The following is an entry in ClinVar:

NM_014112.5(TRPS1):c.3430del (p.Val1144fs)

Gene: TRPS1 (transcriptional repressor GATA binding 1; minus strand). Cytogenetic location: 8q23.3.
Variant type: Deletion.
Coding change: c.3430del on transcript NM_014112.5 (MANE Select); coding-DNA position 3430, one base deleted (G; older notation c.3430delG).
Protein change: p.Val1144fs; shifts the reading frame from valine 1144.
Molecular consequence: frameshift variant.
Genome position (GRCh38, 1-based): chr8:115,414,478, C deleted on the plus strand (G on the coding strand, the reverse complement: TRPS1 is on the minus strand). VCF-style (leftmost placement, unchanged base first): chr8-115414477-AC-A. GRCh37 (hg19) VCF-style: chr8-116426705-AC-A.
Other names: c.3403del, p.Val1135fs (NM_001282902.3); c.3409del, p.Val1137fs (NM_001282903.3); c.3391del, p.Val1131fs (NM_001330599.2); short protein forms V1131fs, V1135fs, V1137fs, V1144fs.
Identifiers: ClinVar variation 3602634 (VCV003602634.2).
Genomic context (GRCh38, chr8:115,414,477, plus strand): 5'-GGAGGCAGATTGAAGGTGGGATAAGGCACATAGTTTTGGCAAGGATTTGGTAGGCCAGGC[AC>A]GTGACTCAAGTAGTGCGGATTCCCAGGAACGGAGAGCTTATATTTACTCCAGAACCGCAG-3'

ClinVar aggregate classification (germline): Pathogenic (1 of 4 stars; one submission).

Conditions:
Trichorhinophalangeal dysplasia type I (TRPS1). Also called: TRPS I; TRICHORHINOPHALANGEAL SYNDROME, TYPE I. Identifiers: Orphanet 77258, MedGen C0432233, MONDO:0008596, OMIM 190350.

Submission:

Gemeinschaftspraxis fuer Humangenetik Dresden
Classification: Pathogenic for Trichorhinophalangeal dysplasia type I. Last evaluated: 2025-02-03. Review status: criteria provided, single submitter. Criteria: ACMG Guidelines, 2015. Collection method: clinical testing. Allele origin: germline. Inheritance: Autosomal dominant inheritance. Affected: yes.
Comment: This variant is not reported in HGMD 2024.4, gnomAD (v4.1.0), dbSNP (v156) or LOVD (we submitted there) so far. Due to the protein truncating character the variant is classified as pathogenic.